The following is an entry in ClinVar:

ClinVar aggregate classification (germline): Conflicting classifications of pathogenicity. Review status: criteria provided, conflicting classifications (1 of 4 stars). 6 submissions from 6 submitters: Uncertain significance (3); Likely benign (2). 1 of the submissions does not count toward it. Last evaluated 2025-11-03.

Conditions:
SPTBN2-related disorder. Also called: SPTBN2-related condition.
Inborn genetic diseases. Identifiers: MedGen C0950123, MeSH D030342.

Allele frequency attached by ClinVar (database versions not stated): gnomAD exomes 0.00007 and 0.00021; ExAC 0.00025; 1000 Genomes Project 30x 0.00047; 1000 Genomes Project 0.00060; ESP Exome Variant Server 0.00069; gnomAD 0.00070 and 0.00074; TOPMed 0.00091.
gnomAD v4.1: 220 of 1,611,982 alleles (0.014%); highest among the groups gnomAD compares: African/African-American, 0.21%; no homozygotes.

Submissions (6):

Labcorp Genetics (formerly Invitae), Labcorp
Classification: Likely benign. Last evaluated: 2025-11-03. Review status: criteria provided, single submitter. Criteria: Invitae Variant Classification Sherloc (09022015). Collection method: clinical testing. Allele origin: germline.

Blueprint Genetics
Classification: Uncertain significance. Last evaluated: 2024-08-30. Review status: criteria provided, single submitter. Criteria: ACMG Guidelines, 2015. Collection method: clinical testing. Allele origin: germline.

Ambry Genetics
Classification: Likely benign for Inborn genetic diseases. Last evaluated: 2023-11-21. Review status: criteria provided, single submitter. Criteria: Ambry Variant Classification Scheme 2023. Collection method: clinical testing. Allele origin: germline.

GeneDx
Classification: Uncertain significance. Last evaluated: 2019-11-04. Review status: criteria provided, single submitter. Criteria: GeneDx Variant Classification Process June 2021. Collection method: clinical testing. Allele origin: germline. Affected: yes.
Comment: Has not been previously published as pathogenic or benign to our knowledge; In silico analysis, which includes protein predictors and evolutionary conservation, supports a deleterious effect

Eurofins Ntd Llc (ga)
Classification: Uncertain significance. Last evaluated: 2017-04-17. Review status: criteria provided, single submitter. Criteria: EGL Classification Definitions 2015. Collection method: clinical testing. Allele origin: germline. Observed: 1 variant allele, 1 heterozygote.

PreventionGenetics, part of Exact Sciences
Classification: Likely benign for SPTBN2-related condition. Last evaluated: 2022-05-31. Review status: no assertion criteria provided. Collection method: clinical testing. Allele origin: germline. Not counted in ClinVar's aggregate classification.
Comment: This variant is classified as likely benign based on ACMG/AMP sequence variant interpretation guidelines (Richards et al. 2015 PMID: 25741868, with internal and published modifications).

NM_006946.4(SPTBN2):c.1657C>T (p.Arg553Trp)

Gene: SPTBN2 (spectrin beta, non-erythrocytic 2; minus strand). Cytogenetic location: 11q13.2.
Variant type: single nucleotide variant.
Coding change: c.1657C>T on transcript NM_006946.4 (MANE Select); coding-DNA position 1657, C replaced by T.
Protein change: p.Arg553Trp; replaces arginine 553 with tryptophan.
Molecular consequence: missense variant.
Genome position (GRCh38, 1-based): chr11:66,705,834, G>A on the plus strand (C>T on the coding strand, the complement: SPTBN2 is on the minus strand). VCF-style: chr11-66705834-G-A. GRCh37 (hg19) VCF-style: chr11-66473305-G-A.
Other names: short protein forms R553W.
Identifiers: ClinVar variation 501123 (VCV000501123.20), dbSNP rs116099040, ClinGen allele CA6129296.